The following is an entry in ClinVar:

NM_021831.6(AGBL5):c.2605C>T (p.Pro869Ser)

Gene: AGBL5 (AGBL carboxypeptidase 5; plus strand). Cytogenetic location: 2p23.3.
Variant type: single nucleotide variant.
Coding change: c.2605C>T on transcript NM_021831.6 (MANE Select); coding-DNA position 2605, C replaced by T.
Protein change: p.Pro869Ser; replaces proline 869 with serine.
Molecular consequence: missense variant. On other transcripts: non-coding transcript variant (2).
Genome position (GRCh38, 1-based): chr2:27,070,207, C>T. VCF-style: chr2-27070207-C-T. GRCh37 (hg19) VCF-style: chr2-27293075-C-T.
Other names: c.2605C>T, p.Pro869Ser (NM_001035506.1); short protein forms P869S.
Identifiers: ClinVar variation 1905981 (VCV001905981.5), dbSNP rs776623695, ClinGen allele CA1568310.
Genomic context (GRCh38, chr2:27,070,207, plus strand): 5'-TCCTGTAGTCTATCTGACTCCCCATCCTGGAATTGTTACAGCAGGGGTCCCTTGGGCCAA[C>T]CTGAGGTTTGTTTTGTCCCTAAATCTCCCCCACTGACTGTTTCTCCCCGGGTCTGATAAT-3'
Protein context (NP_068603.4, residues 859-879): NCYSRGPLGQ[Pro869Ser]EVCFVPKSPP

ClinVar aggregate classification (germline): Uncertain significance (1 of 4 stars; one submission).

Allele frequency attached by ClinVar (database versions not stated): TOPMed below 0.00001; ExAC 0.00001; gnomAD exomes 0.00001.
gnomAD v4.1: 14 of 1,614,218 alleles (0.00087%); highest among the groups gnomAD compares: African/African-American, 0.0027%; no homozygotes.

Submission:

Labcorp Genetics (formerly Invitae), Labcorp
Classification: Uncertain significance. Last evaluated: 2022-09-01. Review status: criteria provided, single submitter. Criteria: Invitae Variant Classification Sherloc (09022015). Collection method: clinical testing. Allele origin: germline.
Comment: This variant has not been reported in the literature in individuals affected with AGBL5-related conditions. This variant is present in population databases (rs776623695, gnomAD 0.007%). This sequence change replaces proline, which is neutral and non-polar, with serine, which is neutral and polar, at codon 869 of the AGBL5 protein (p.Pro869Ser). In summary, the available evidence is currently insufficient to determine the role of this variant in disease. Therefore, it has been classified as a Variant of Uncertain Significance. Algorithms developed to predict the effect of missense changes on protein structure and function output the following: SIFT: "Tolerated"; PolyPhen-2: "Benign"; Align-GVGD: "Class C0". The serine amino acid residue is found in multiple mammalian species, which suggests that this missense change does not adversely affect protein function.